The following is an entry in ClinVar:

NM_001261826.3(AP3D1):c.2341A>G (p.Met781Val)

Gene: AP3D1 (adaptor related protein complex 3 subunit delta 1; minus strand). Cytogenetic location: 19p13.3.
Variant type: single nucleotide variant.
Coding change: c.2341A>G on transcript NM_001261826.3 (MANE Select); coding-DNA position 2341, A replaced by G.
Protein change: p.Met781Val; replaces methionine 781 with valine.
Molecular consequence: missense variant.
Genome position (GRCh38, 1-based): chr19:2,115,227, T>C on the plus strand (A>G on the coding strand, the complement: AP3D1 is on the minus strand). VCF-style: chr19-2115227-T-C. GRCh37 (hg19) VCF-style: chr19-2115226-T-C.
Other names: c.2341A>G, p.Met781Val (NM_001374799.1, NM_003938.8); short protein forms M781V.
Identifiers: ClinVar variation 4765845 (VCV004765845.1).
Genomic context (GRCh38, chr19:2,115,227, plus strand): 5'-ACACATGCGGAAAGATAGACATCCTAGGACCGGGACCTCCAGCGAGGCTGACCTCAGGCA[T>C]CTCCTCTGTGACGATGTCCACCTGCTGGGCAGGGGCGATGTCCTCGTCGCTCTCCGTGGG-3'
Protein context (NP_001248755.1, residues 771-791): AQQVDIVTEE[Met781Val]PENALPSDED

ClinVar aggregate classification (germline): Uncertain significance (1 of 4 stars; one submission).

gnomAD v4.1: 8 of 1,612,882 alleles (0.0005%); highest among the groups gnomAD compares: South Asian, 0.0022%; no homozygotes.

Submission:

Labcorp Genetics (formerly Invitae), Labcorp
Classification: Uncertain significance. Last evaluated: 2025-06-01. Review status: criteria provided, single submitter. Criteria: Invitae Variant Classification Sherloc (09022015). Collection method: clinical testing. Allele origin: germline.
Comment: This sequence change replaces methionine, which is neutral and non-polar, with valine, which is neutral and non-polar, at codon 781 of the AP3D1 protein (p.Met781Val). This variant is present in population databases (rs778526453, gnomAD 0.007%). This variant has not been reported in the literature in individuals affected with AP3D1-related conditions. An algorithm developed to predict the effect of missense changes on protein structure and function (PolyPhen-2) suggests that this variant is likely to be disruptive. Algorithms developed to predict the effect of sequence changes on RNA splicing suggest that this variant may create or strengthen a splice site. In summary, the available evidence is currently insufficient to determine the role of this variant in disease. Therefore, it has been classified as a Variant of Uncertain Significance.